The following is an entry in ClinVar:

ClinVar aggregate classification (germline): Benign/Likely benign. Review status: criteria provided, multiple submitters, no conflicts (2 of 4 stars). 2 submissions from 2 submitters: Benign (1); Likely benign (1). Last evaluated 2023-02-16.

Allele frequency attached by ClinVar (database versions not stated): gnomAD 0.00005; ExAC 0.00006; TOPMed 0.00007.

Submissions (2):

Labcorp Genetics (formerly Invitae), Labcorp
Classification: Benign. Last evaluated: 2023-02-16. Review status: criteria provided, single submitter. Criteria: Invitae Variant Classification Sherloc (09022015). Collection method: clinical testing. Allele origin: germline.

CeGaT Center for Human Genetics Tuebingen
Classification: Likely benign. Last evaluated: 2023-01-01. Review status: criteria provided, single submitter. Criteria: CeGaT Center For Human Genetics Tuebingen Variant Classification Criteria Version 2. Collection method: clinical testing. Allele origin: germline. Affected: yes. Observed: 1 variant allele.
Comment: PIEZO1: BP4, BP7

NM_001142864.4(PIEZO1):c.4530G>A (p.Thr1510=)

Gene: PIEZO1 (piezo type mechanosensitive ion channel component 1 (Er blood group); minus strand). Cytogenetic location: 16q24.3.
Variant type: single nucleotide variant.
Coding change: c.4530G>A on transcript NM_001142864.4 (MANE Select); coding-DNA position 4530, G replaced by A.
Protein change: p.Thr1510=; no amino-acid change (threonine 1510 retained).
Molecular consequence: synonymous variant.
Genome position (GRCh38, 1-based): chr16:88,722,975, C>T on the plus strand (G>A on the coding strand, the complement: PIEZO1 is on the minus strand). VCF-style: chr16-88722975-C-T. GRCh37 (hg19) VCF-style: chr16-88789383-C-T.
Other names: c.3072G>A, p.Thr1024= (NM_014745.1).
Identifiers: ClinVar variation 2646996 (VCV002646996.27), dbSNP rs766128083, ClinGen allele CA8232110.
Genomic context (GRCh38, chr16:88,722,975, plus strand): 5'-CTGCAGCCAGCGTGTCAGCTCATCCACTAGCGCCTGCCCCAGCATCCACAGGAACTGCGC[C>T]GTGCTCAGCACCCTCTGCACCACATGGCTCCGGCCTGCGGGAGGGCGGGAGGGGGCGCTG-3'
Protein context (NP_001136336.2, residues 1500-1520): RSHVVQRVLS[Thr1510=]AQFLWMLGQA